The following is an entry in ClinVar:

ClinVar aggregate classification (germline): Conflicting classifications of pathogenicity. Review status: criteria provided, conflicting classifications (1 of 4 stars). 5 submissions from 5 submitters: Pathogenic (2); Likely pathogenic (2); Uncertain significance (1). Last evaluated 2026-09-08.

Conditions:
Neurodevelopmental disorder. Identifiers: MedGen C1535926, MeSH D065886, MONDO:0700092.
Developmental and epileptic encephalopathy. Identifiers: MedGen C5779964, MONDO:0100620.
Epileptic encephalopathy. Identifiers: MedGen C0543888, HP:0200134.

Submissions (5):

Suma Genomics
Classification: Uncertain significance for Neurodevelopmental disorder. Last evaluated: 2026-09-08. Review status: criteria provided, single submitter. Criteria: ACMG Guidelines, 2015. Collection method: clinical testing. Allele origin: germline. Inheritance: Autosomal dominant inheritance. Affected: yes. Observed: 1 variant allele, 1 heterozygote.
Comment: This variant is not observed in the gnomAD database. A recently published report indicates that de novo variants in ATP2B2 cause variable neurodevelopmental disorders that feature dystonia, ataxia, intellectual disability, behavioral symptoms, and seizures (Elena et al. 2023). Due to limited evidence for gene-disease association this variant is classified VUS.

Victorian Clinical Genetics Services, Murdoch Childrens Research Institute
Classification: Likely pathogenic for Neurodevelopmental disorder. Last evaluated: 2025-10-20. Review status: criteria provided, single submitter. Criteria: ACMG Guidelines, 2015. Collection method: clinical testing. Allele origin: germline. Affected: yes.
Comment: This variant is classified as Likely pathogenic. Evidence in support of pathogenic classification: Variant is predicted to result in a truncated protein (premature termination codon is NOT located at least 54 nucleotides upstream of the final exon-exon junction) with less than 1/3 of the protein sequence affected; Variant is absent from gnomAD (v2, v3 and v4); This variant has strong previous evidence of pathogenicity in unrelated individuals. This variant has been classified as pathogenic/likely pathogenic by clinical laboratories in ClinVar with at least one de novo occurrence, and reported in the literature in a de novo individual with neurodevelopmental disorder (PMID: 35468861); Another protein truncating variant comparable to the one identified in this case has limited previous evidence for pathogenicity. p.(Arg1161*) has been classified as likely pathogenic by a clinical laboratory in ClinVar, and identified in an individual with autism and a de novo individual with seizures, developmental delay, and autism (GeneDx personal communication). Additional information: This variant is heterozygous; This gene is associated with autosomal dominant disease; No published evidence of segregation with disease has been identified for this variant; No published functional evidence has been identified for this variant; Loss of function and gain of function are known mechanisms of disease in this gene. Variants predicted to result in nonsense mediated decay are associated with deafness 82 (MIM#82619804). Truncating and missense variants are associated with neurodevelopmental disorder (MONDO:0700092), ATP2B2-related (PMID: 37675773); Inheritance information for this variant is not currently available in this individual.

GeneDx
Classification: Pathogenic. Last evaluated: 2025-05-12. Review status: criteria provided, single submitter. Criteria: GeneDx Variant Classification Process June 2021. Collection method: clinical testing. Allele origin: germline. Affected: yes.
Comment: Not observed at significant frequency in large population cohorts (gnomAD); Nonsense variant predicted to result in protein truncation as the last 112 amino acid(s) are lost; Has not been previously published as pathogenic or benign to our knowledge

Unidad de Genómica Garrahan, Hospital de Pediatría Garrahan
Classification: Pathogenic for Developmental and epileptic encephalopathy. Last evaluated: 2025-01-01. Review status: criteria provided, single submitter. Criteria: ACMG Guidelines, 2015. Collection method: clinical testing. Allele origin: de novo. Affected: yes. Observed: 1 variant allele.
Comment: ACMG/AMP criteria applied: PVS1_strong, PS4_strong, PM2_supporting, PM6_moderate. Recent gene-disease association with developmental and epileptic encephalopathy.

Centre for Inherited Metabolic Diseases, Karolinska University Hospital
Classification: Likely pathogenic for epileptic encephalopathy. Last evaluated: 2024-07-23. Review status: criteria provided, single submitter. Criteria: ACMG Guidelines, 2015. Collection method: clinical testing. Allele origin: de novo. Inheritance: Autosomal dominant inheritance. Affected: yes. Observed: 1 heterozygote.
Comment: The variant is a null variant (PVS1 - moderate). The variant is confirmed de novo (PS2). The variant affects a known functional domain (PM1). The variant is rare in the healthy population (PM2 - supporting).

Literature cited by the submitters: PubMed 37675773 (cited by Suma Genomics and Victorian Clinical Genetics Services, Murdoch Childrens Research Institute); PubMed 35468861 (cited by Victorian Clinical Genetics Services, Murdoch Childrens Research Institute).

NM_001001331.4(ATP2B2):c.3394C>T (p.Arg1132Ter)

Gene: ATP2B2 (ATPase plasma membrane Ca2+ transporting 2; minus strand). Cytogenetic location: 3p25.3.
Variant type: single nucleotide variant.
Coding change: c.3394C>T on transcript NM_001001331.4 (MANE Select); coding-DNA position 3394, C replaced by T.
Protein change: p.Arg1132Ter; replaces arginine 1132 with a stop codon.
Molecular consequence: nonsense.
Genome position (GRCh38, 1-based): chr3:10,338,202, G>A on the plus strand (C>T on the coding strand, the complement: ATP2B2 is on the minus strand). VCF-style: chr3-10338202-G-A. GRCh37 (hg19) VCF-style: chr3-10379886-G-A.
Other names: NP_001001331.1:p.(Arg1132Ter); c.3259C>T, p.Arg1087Ter (NM_001330611.3, NM_001353564.1, NM_001363862.1 and 1 more transcripts); short protein forms R1087*, R1132*.
Identifiers: ClinVar variation 1339597 (VCV001339597.9), dbSNP rs2125357775, ClinGen allele CA351774503.